The following is an entry in ClinVar:

ClinVar aggregate classification (germline): Uncertain significance (1 of 4 stars; one submission).

gnomAD v4.1: 1 of 1,613,412 alleles (0.000062%); highest among the groups gnomAD compares: Non-Finnish European, 0.000085%; no homozygotes.

Submission:

Labcorp Genetics (formerly Invitae), Labcorp
Classification: Uncertain significance. Last evaluated: 2021-12-22. Review status: criteria provided, single submitter. Criteria: Invitae Variant Classification Sherloc (09022015). Collection method: clinical testing. Allele origin: germline.
Comment: This sequence change replaces aspartic acid, which is acidic and polar, with asparagine, which is neutral and polar, at codon 2729 of the PCLO protein (p.Asp2729Asn). This variant is not present in population databases (gnomAD no frequency). This variant has not been reported in the literature in individuals affected with PCLO-related conditions. Algorithms developed to predict the effect of missense changes on protein structure and function are either unavailable or do not agree on the potential impact of this missense change (SIFT: "Deleterious"; PolyPhen-2: "Not Available"; Align-GVGD: "Class C0"). In summary, the available evidence is currently insufficient to determine the role of this variant in disease. Therefore, it has been classified as a Variant of Uncertain Significance.

NM_033026.6(PCLO):c.8185G>A (p.Asp2729Asn)

Gene: PCLO (piccolo presynaptic cytomatrix protein; minus strand). Cytogenetic location: 7q21.11.
Variant type: single nucleotide variant.
Coding change: c.8185G>A on transcript NM_033026.6 (MANE Select); coding-DNA position 8185, G replaced by A.
Protein change: p.Asp2729Asn; replaces aspartic acid 2729 with asparagine.
Molecular consequence: missense variant.
Genome position (GRCh38, 1-based): chr7:82,952,768, C>T on the plus strand (G>A on the coding strand, the complement: PCLO is on the minus strand). VCF-style: chr7-82952768-C-T. GRCh37 (hg19) VCF-style: chr7-82582084-C-T.
Other names: c.8185G>A, p.Asp2729Asn (NM_014510.3); short protein forms D2729N.
Identifiers: ClinVar variation 1965190 (VCV001965190.5), dbSNP rs2535690929, ClinGen allele CA367911680.
Genomic context (GRCh38, chr7:82,952,768, plus strand): 5'-CAGAAAGATCAATACATTTATCAGTTGTTTTAACTTCTACCTTTGGTACTGTACGCAAAT[C>T]AATTACATCACCAACAAGTTGCAATTTTCCATCTTCTTTATACTGAGGCTTCTCTAAATG-3'
Protein context (NP_149015.2, residues 2719-2739): GKLQLVGDVI[Asp2729Asn]LRTVPKVEVK